The following is an entry in ClinVar:

NM_024675.4(PALB2):c.902A>G (p.Asp301Gly)

Gene: PALB2 (partner and localizer of BRCA2; minus strand). Cytogenetic location: 16p12.2.
Variant type: single nucleotide variant.
Coding change: c.902A>G on transcript NM_024675.4 (MANE Select); coding-DNA position 902, A replaced by G.
Protein change: p.Asp301Gly; replaces aspartic acid 301 with glycine.
Molecular consequence: missense variant.
Genome position (GRCh38, 1-based): chr16:23,635,644, T>C on the plus strand (A>G on the coding strand, the complement: PALB2 is on the minus strand). VCF-style: chr16-23635644-T-C. GRCh37 (hg19) VCF-style: chr16-23646965-T-C.
Other names: short protein forms D301G.
Identifiers: ClinVar variation 231781 (VCV000231781.28), dbSNP rs759014440, ClinGen allele CA7963748.

ClinVar aggregate classification (germline): Conflicting classifications of pathogenicity. Review status: criteria provided, conflicting classifications (1 of 4 stars). 8 submissions from 8 submitters: Uncertain significance (6); Likely benign (1). 1 of the submissions does not count toward it. Last evaluated 2025-07-22.

Conditions:
Familial cancer of breast. Also called: BREAST CANCER, FAMILIAL; hereditary breast carcinoma; Hereditary breast cancer. Identifiers: Orphanet 227535, MedGen C0346153, MONDO:0016419, OMIM 114480. Disease mechanism: loss of function.
Pancreatic cancer, susceptibility to, 3. Identifiers: Orphanet 1333, MedGen C3150547, MONDO:0013236, OMIM 613348.
Hereditary cancer-predisposing syndrome. Also called: Neoplastic Syndromes, Hereditary; Tumor predisposition; Hereditary Cancer Syndrome; Hereditary neoplastic syndrome. Identifiers: Orphanet 140162, MedGen C0027672, MeSH D009386, MONDO:0015356.

Allele frequency attached by ClinVar (database versions not stated): gnomAD exomes below 0.00001 and 0.00002; TOPMed below 0.00001; ExAC 0.00001; gnomAD 0.00001.
gnomAD v4.1: 32 of 1,614,036 alleles (0.002%); highest among the groups gnomAD compares: Admixed American, 0.005%; no homozygotes.

Submissions (8):

Labcorp Genetics (formerly Invitae), Labcorp
Classification: Uncertain significance for Familial cancer of breast. Last evaluated: 2025-07-22. Review status: criteria provided, single submitter. Criteria: Invitae Variant Classification Sherloc (09022015). Collection method: clinical testing. Allele origin: germline.
Comment: This sequence change replaces aspartic acid, which is acidic and polar, with glycine, which is neutral and non-polar, at codon 301 of the PALB2 protein (p.Asp301Gly). This variant is present in population databases (rs759014440, gnomAD 0.003%). This variant has not been reported in the literature in individuals affected with PALB2-related conditions. ClinVar contains an entry for this variant (Variation ID: 231781). Invitae Evidence Modeling of protein sequence and biophysical properties (such as structural, functional, and spatial information, amino acid conservation, physicochemical variation, residue mobility, and thermodynamic stability) indicates that this missense variant is not expected to disrupt PALB2 protein function with a negative predictive value of 80%. RNA analysis performed to evaluate the impact of this missense change on mRNA splicing indicates it does not significantly alter splicing (internal data). In summary, the available evidence is currently insufficient to determine the role of this variant in disease. Therefore, it has been classified as a Variant of Uncertain Significance.

Women's Health and Genetics/Laboratory Corporation of America, LabCorp
Classification: Uncertain significance. Last evaluated: 2024-10-19. Review status: criteria provided, single submitter. Criteria: LabCorp Variant Classification Summary - May 2015. Collection method: clinical testing. Allele origin: germline.

Ambry Genetics
Classification: Likely benign for Hereditary cancer-predisposing syndrome. Last evaluated: 2024-03-28. Review status: criteria provided, single submitter. Criteria: Ambry Variant Classification Scheme 2023. Collection method: clinical testing. Allele origin: germline.

Quest Diagnostics Nichols Institute San Juan Capistrano
Classification: Uncertain significance. Last evaluated: 2023-06-22. Review status: criteria provided, single submitter. Criteria: Quest Diagnostics criteria. Collection method: clinical testing. Allele origin: unknown.
Comment: In the published literature, this variant has been reported in individuals with breast cancer (PMIDs: 32885271 (2021), 33471991 (2021) see also LOVD) and healthy individuals (PMID: 33471991 (2021) see also LOVD). The frequency of this variant in the general population, 0.000004 (1/251324 chromosomes (Genome Aggregation Database)), is uninformative in the assessment of its pathogenicity. Analysis of this variant using bioinformatics tools for the prediction of the effect of amino acid changes on protein structure and function yielded predictions that this variant is benign. Based on the available information, we are unable to determine the clinical significance of this variant.

GeneDx
Classification: Uncertain significance. Last evaluated: 2023-04-17. Review status: criteria provided, single submitter. Criteria: GeneDx Variant Classification Process June 2021. Collection method: clinical testing. Allele origin: germline. Affected: yes.
Comment: Not observed at significant frequency in large population cohorts (gnomAD); In silico analysis supports that this missense variant has a deleterious effect on protein structure/function; Observed in an individual with breast and thyroid cancer (Lerner-Ellis et al., 2021); This variant is associated with the following publications: (PMID: 19369211, 32885271)

Color Diagnostics, LLC DBA Color Health
Classification: Uncertain significance for Hereditary cancer-predisposing syndrome. Last evaluated: 2021-12-08. Review status: criteria provided, single submitter. Criteria: ACMG Guidelines, 2015. Collection method: clinical testing. Allele origin: germline.
Comment: This missense variant replaces aspartic acid with glycine at codon 301 of the PALB2 protein. Computational prediction suggests that this variant may not impact protein structure and function (internally defined REVEL score threshold <= 0.5, PMID: 27666373). To our knowledge, functional studies have not been reported for this variant. This variant has been detected in a breast cancer case-control meta-analysis in 2/60463 cases and 1/53461 unaffected individuals (PMID: 33471991; Leiden Open Variation Database DB-ID PALB2_010729) and in an ovarian cancer case-control study in 0/6385 cases and 2/6115 unaffected individuals (PMID: 32546565). This variant has been identified in 1/251324 chromosomes in the general population by the Genome Aggregation Database (gnomAD). The available evidence is insufficient to determine the role of this variant in disease conclusively. Therefore, this variant is classified as a Variant of Uncertain Significance.

Institute for Clinical Genetics, University Hospital TU Dresden, University Hospital TU Dresden
Classification: Uncertain significance. Last evaluated: 2021-11-03. Review status: criteria provided, single submitter. Criteria: ACMG Guidelines, 2015. Collection method: clinical testing. Allele origin: germline.

Department of Pathology and Laboratory Medicine, Sinai Health System
Classification: Uncertain significance for Pancreatic cancer, susceptibility to, 3. Review status: no assertion criteria provided. Collection method: clinical testing. Allele origin: unknown. Affected: yes. Observed: 1 variant allele. Study: The Canadian Open Genetics Repository (COGR). Not counted in ClinVar's aggregate classification.
Comment: The PALB2 p.Asp301Gly variant was not identified in the literature nor was it identified in the LOVD 3.0 database. The variant was identified in dbSNP (ID: rs759014440) as "With Uncertain significance allele", and in ClinVar (classified as uncertain significance by Invitae, Ambry Genetics, and GeneDx). The variant was identified in control databases in 2 of 246162 chromosomes at a frequency of 0.000008 (Genome Aggregation Database Feb 27, 2017). The variant was observed in the following populations: Latino in 1 of 33578 chromosomes (freq: 0.00003), European in 1 of 111640 chromosomes (freq: 0.000009), but not observed in the African, Other, Ashkenazi Jewish, East Asian, Finnish, or South Asian populations. The p.Asp301 residue is not conserved in mammals and 4 out of 5 computational analyses (PolyPhen-2, SIFT, AlignGVGD, BLOSUM, MutationTaster) do not suggest a high likelihood of impact to the protein; however, this information is not predictive enough to rule out pathogenicity. The variant occurs outside of the splicing consensus sequence and 3 of 4 in silico or computational prediction software programs (SpliceSiteFinder, MaxEntScan, NNSPLICE, GeneSplicer) predict a greater than 10% difference in splicing. However, this information is not predictive enough to assume pathogenicity. In summary, based on the above information the clinical significance of this variant cannot be determined with certainty at this time. This variant is classified as a variant of uncertain significance.

Literature cited by the submitters: PubMed 32885271 (cited by Ambry Genetics and Quest Diagnostics Nichols Institute San Juan Capistrano); PubMed 33471991 (cited by Quest Diagnostics Nichols Institute San Juan Capistrano and Color Diagnostics, LLC DBA Color Health); PubMed 32546565 (cited by Color Diagnostics, LLC DBA Color Health).